The following is an entry in ClinVar:

NM_004055.5(CAPN5):c.1002C>G (p.Phe334Leu)

Gene: CAPN5 (calpain 5; plus strand). Cytogenetic location: 11q13.5.
Variant type: single nucleotide variant.
Coding change: c.1002C>G on transcript NM_004055.5 (MANE Select); coding-DNA position 1002, C replaced by G.
Protein change: p.Phe334Leu; replaces phenylalanine 334 with leucine.
Molecular consequence: missense variant.
Genome position (GRCh38, 1-based): chr11:77,118,187, C>G. VCF-style: chr11-77118187-C-G. GRCh37 (hg19) VCF-style: chr11-76829233-C-G.
Other names: short protein forms F334L.
Identifiers: ClinVar variation 1313529 (VCV001313529.7), dbSNP rs1950486834, ClinGen allele CA381941266.

ClinVar aggregate classification (germline): Uncertain significance. Review status: criteria provided, multiple submitters, no conflicts (2 of 4 stars). 3 submissions from 3 submitters: Uncertain significance (3). Last evaluated 2025-01-19.

Conditions:
Inborn genetic diseases. Identifiers: MedGen C0950123, MeSH D030342.

Allele frequency attached by ClinVar (database versions not stated): gnomAD 0.00001; TOPMed 0.00002.
gnomAD v4.1: 3 of 1,613,806 alleles (0.00019%); highest among the groups gnomAD compares: Non-Finnish European, 0.000085%; no homozygotes.

Submissions (3):

Ambry Genetics
Classification: Uncertain significance for Inborn genetic diseases. Last evaluated: 2025-01-19. Review status: criteria provided, single submitter. Criteria: Ambry Variant Classification Scheme 2023. Collection method: clinical testing. Allele origin: germline.

Labcorp Genetics (formerly Invitae), Labcorp
Classification: Uncertain significance. Last evaluated: 2022-03-16. Review status: criteria provided, single submitter. Criteria: Invitae Variant Classification Sherloc (09022015). Collection method: clinical testing. Allele origin: germline.
Comment: In summary, the available evidence is currently insufficient to determine the role of this variant in disease. Therefore, it has been classified as a Variant of Uncertain Significance. Algorithms developed to predict the effect of missense changes on protein structure and function are either unavailable or do not agree on the potential impact of this missense change (SIFT: "Tolerated"; PolyPhen-2: "Possibly Damaging"; Align-GVGD: "Class C0"). ClinVar contains an entry for this variant (Variation ID: 1313529). This variant has not been reported in the literature in individuals affected with CAPN5-related conditions. This variant is not present in population databases (gnomAD no frequency). This sequence change replaces phenylalanine, which is neutral and non-polar, with leucine, which is neutral and non-polar, at codon 334 of the CAPN5 protein (p.Phe334Leu).

GeneDx
Classification: Uncertain significance. Last evaluated: 2020-10-26. Review status: criteria provided, single submitter. Criteria: GeneDx Variant Classification Process June 2021. Collection method: clinical testing. Allele origin: germline. Affected: yes.
Comment: Not observed in large population cohorts (Lek et al., 2016); In silico analysis supports that this missense variant has a deleterious effect on protein structure/function; Has not been previously published as pathogenic or benign to our knowledge